The following is an entry in ClinVar:

NM_001128840.3(CACNA1D):c.6373C>T (p.Arg2125Trp)

Gene: CACNA1D (calcium voltage-gated channel subunit alpha1 D; plus strand). Cytogenetic location: 3p21.1.
Variant type: single nucleotide variant.
Coding change: c.6373C>T on transcript NM_001128840.3 (MANE Select); coding-DNA position 6373, C replaced by T.
Protein change: p.Arg2125Trp; replaces arginine 2125 with tryptophan.
Molecular consequence: missense variant.
Genome position (GRCh38, 1-based): chr3:53,811,293, C>T. VCF-style: chr3-53811293-C-T. GRCh37 (hg19) VCF-style: chr3-53845320-C-T.
Other names: c.6433C>T, p.Arg2145Trp (NM_000720.4); c.6301C>T, p.Arg2101Trp (NM_001128839.3); short protein forms R2101W, R2125W, R2145W.
Identifiers: ClinVar variation 667200 (VCV000667200.12), dbSNP rs373663753, ClinGen allele CA2455437.

ClinVar aggregate classification (germline): Uncertain significance. Review status: criteria provided, multiple submitters, no conflicts (2 of 4 stars). 3 submissions from 3 submitters: Uncertain significance (3). Last evaluated 2023-08-04.

Allele frequency attached by ClinVar (database versions not stated): gnomAD 0.00001; ExAC 0.00002; gnomAD exomes 0.00003; TOPMed 0.00003; ESP Exome Variant Server 0.00008.
gnomAD v4.1: 42 of 1,613,650 alleles (0.0026%); highest among the groups gnomAD compares: Admixed American, 0.005%; no homozygotes.

Submissions (3):

Labcorp Genetics (formerly Invitae), Labcorp
Classification: Uncertain significance. Last evaluated: 2023-08-04. Review status: criteria provided, single submitter. Criteria: Invitae Variant Classification Sherloc (09022015). Collection method: clinical testing. Allele origin: germline.
Comment: This sequence change replaces arginine, which is basic and polar, with tryptophan, which is neutral and slightly polar, at codon 2145 of the CACNA1D protein (p.Arg2145Trp). This variant is present in population databases (rs373663753, gnomAD 0.009%). In summary, the available evidence is currently insufficient to determine the role of this variant in disease. Therefore, it has been classified as a Variant of Uncertain Significance. An algorithm developed to predict the effect of missense changes on protein structure and function (PolyPhen-2) suggests that this variant is likely to be tolerated. ClinVar contains an entry for this variant (Variation ID: 667200). This missense change has been observed in individual(s) with arrhythmia (PMID: 30847666).

Revvity Omics, Revvity
Classification: Uncertain significance. Last evaluated: 2021-12-30. Review status: criteria provided, single submitter. Criteria: ACMG Guidelines, 2015. Collection method: clinical testing. Allele origin: germline.

Laboratory for Molecular Medicine, Mass General Brigham Personalized Medicine
Classification: Uncertain significance. Last evaluated: 2018-06-25. Review status: criteria provided, single submitter. Criteria: LMM Criteria. Collection method: clinical testing. Allele origin: germline. Observed: 1 variant allele.
Comment: The p.Arg2145Trp variant in CACNA1D has not been previously reported in individu als with hearing loss or bradycardia but has been identified in 0.009% (3/33576) Latino chromosomes by the Genome Aggregation Database (gnomAD; dbSNP rs373663753). Computational prediction tools and conserv ation analyses suggest that this variant may not impact the protein, though this information is not predictive enough to rule out pathogenicity. In summary, the clinical significance of the p.Arg2145Trp variant is uncertain. ACMG/AMP Criter ia applied: PM2_Supporting.

Literature cited by the submitters: PubMed 30847666 (cited by Labcorp Genetics (formerly Invitae), Labcorp).